The following continues an entry in ClinVar:

NM_000059.4(BRCA2):c.5164_5165del (p.Ser1722fs)

Gene: BRCA2. ClinVar aggregate classification (germline): Pathogenic. Pathogenic (1).

Submissions 11 to 23 of 23:

All of Us Research Program, National Institutes of Health
Classification: Pathogenic for Breast-ovarian cancer, familial, susceptibility to, 2. Last evaluated: 2023-06-08. Review status: criteria provided, single submitter. Criteria: ACMG Guidelines, 2015. Collection method: clinical testing. Allele origin: germline. Inheritance: Autosomal dominant inheritance. Observed: 1 variant allele, 1 heterozygote. Not counted in ClinVar's aggregate classification.
Comment: This variant deletes 2 nucleotides in exon 11 of the BRCA2 gene, creating a frameshift and premature translation stop signal. This variant is expected to result in an absent or non-functional protein product. This variant is also known as 5392delAG in the literature. This variant has been reported in at least 10 individuals affected with breast and/or ovarian cancer (PMID: 9150154, 11391658, 19353265, 27907908, 29752822, 30972954, 32101877, 31957001, 33471991). This variant has been identified in 1/31360 chromosomes in the general population by the Genome Aggregation Database (gnomAD). Loss of BRCA2 function is a known mechanism of disease. Based on the available evidence, this variant is classified as Pathogenic.

This study involves interpretation of variants in research participants for the purpose of population health screening. Participant phenotype was not available at the time of variant classification. Additional details can be found in publication PMID: 35346344, PMCID: PMC8962531

Color Diagnostics, LLC DBA Color Health
Classification: Pathogenic for Hereditary cancer-predisposing syndrome. Last evaluated: 2023-04-19. Review status: criteria provided, single submitter. Criteria: ACMG Guidelines, 2015. Collection method: clinical testing. Allele origin: germline. Not counted in ClinVar's aggregate classification.
Comment: This variant deletes 2 nucleotides in exon 11 of the BRCA2 gene, creating a frameshift and premature translation stop signal. This variant is expected to result in an absent or non-functional protein product. This variant is also known as 5392delAG in the literature. This variant has been reported in at least 10 individuals affected with breast and/or ovarian cancer (PMID: 9150154, 11391658, 19353265, 27907908, 29752822, 30972954, 32101877, 31957001, 33471991). This variant has been identified in 1/31360 chromosomes in the general population by the Genome Aggregation Database (gnomAD). Loss of BRCA2 function is a known mechanism of disease. Based on the available evidence, this variant is classified as Pathogenic.

Quest Diagnostics Nichols Institute San Juan Capistrano
Classification: Pathogenic. Last evaluated: 2023-01-20. Review status: criteria provided, single submitter. Criteria: Quest Diagnostics criteria. Collection method: clinical testing. Allele origin: unknown. Not counted in ClinVar's aggregate classification.
Comment: This frameshift variant alters the translational reading frame of the BRCA2 mRNA and causes the premature termination of BRCA2 protein synthesis. The frequency of this variant in the general population, 0.000032 (1/31360 chromosomes), is consistent with pathogenicity. In the published literature, the variant has been reported in individuals with breast and/or ovarian cancer (PMIDs: 32072338 (2020), 31957001 (2020), 30702160 (2019), 32101877 (2019), 30972954 (2019), 29752822 (2018), 19353265 (2009), 9150154 (1997)). Based on the available information, this variant is classified as pathogenic.

MGZ Medical Genetics Center
Classification: Pathogenic for Familial cancer of breast. Last evaluated: 2021-12-21. Review status: criteria provided, single submitter. Criteria: ACMG Guidelines, 2015. Collection method: clinical testing. Allele origin: germline. Affected: yes. Observed: 3 variant alleles. Not counted in ClinVar's aggregate classification.
Comment: ACMG criteria applied: PVS1, PS4_MOD, PM2_SUP

Institute of Medical Genetics and Applied Genomics, University Hospital Tübingen
Classification: Pathogenic. Last evaluated: 2020-10-23. Review status: criteria provided, single submitter. Criteria: ACMG Guidelines, 2015. Collection method: clinical testing. Allele origin: germline. Inheritance: Unknown mechanism. Affected: yes. Not counted in ClinVar's aggregate classification.

Women's Health and Genetics/Laboratory Corporation of America, LabCorp
Classification: Pathogenic for Hereditary breast and ovarian cancer syndrome. Last evaluated: 2020-01-27. Review status: criteria provided, single submitter. Criteria: LabCorp Variant Classification Summary - May 2015. Collection method: clinical testing. Allele origin: germline. Not counted in ClinVar's aggregate classification.
Comment: Variant summary: BRCA2 c.5164_5165delAG (p.Ser1722TyrfsX4) results in a premature termination codon, predicted to cause a truncation of the encoded protein or absence of the protein due to nonsense mediated decay, which are commonly known mechanisms for disease. Truncations downstream of this position have been classified as pathogenic by our laboratory. The variant was absent in 233676 control chromosomes. c.5164_5165delAG has been reported in the literature in multiple individuals affected with Hereditary Breast and Ovarian Cancer (eg. Bhaskaran_2019, Chao_2016, Hakansson_1997, Schneegans_2012). These data indicate that the variant is very likely to be associated with disease. Seven clinical diagnostic laboratories have submitted clinical-significance assessments for this variant to ClinVar after 2014 without evidence for independent evaluation. All laboratories classified the variant as pathogenic. Based on the evidence outlined above, the variant was classified as pathogenic.

Consortium of Investigators of Modifiers of BRCA1/2 (CIMBA), c/o University of Cambridge
Classification: Pathogenic for Breast-ovarian cancer, familial, susceptibility to, 2. Last evaluated: 2015-10-02. Review status: criteria provided, single submitter. Criteria: CIMBA Mutation Classification guidelines May 2016. Collection method: clinical testing. Allele origin: germline. Not counted in ClinVar's aggregate classification.

Juno Genomics, Hangzhou Juno Genomics, Inc
Classification: Pathogenic for Familial cancer of breast; Breast-ovarian cancer, familial, susceptibility to, 2; Glioma susceptibility 3; Medulloblastoma; Pancreatic cancer, susceptibility to, 2; Familial prostate cancer; Fanconi anemia complementation group D1; Wilms tumor 1. Review status: criteria provided, single submitter. Criteria: ACMG Guidelines, 2015. Collection method: clinical testing. Allele origin: germline. Not counted in ClinVar's aggregate classification.
Comment: Null variant in a gene where loss of function (LOF) is a known mechanism of disease.;Novel missense change at an amino acid residue where a different missense change determined to be pathogenic has been seen before.

BRCAlab, Lund University
Classification: Pathogenic for Breast-ovarian cancer, familial, susceptibility to, 2. Last evaluated: 2020-03-02. Review status: no assertion criteria provided. Collection method: clinical testing. Allele origin: germline. Affected: yes. Not counted in ClinVar's aggregate classification.

Counsyl
Classification: Pathogenic for Breast-ovarian cancer, familial 2. Last evaluated: 2014-12-22. Review status: no assertion criteria provided. Collection method: literature only. Allele origin: unknown. Inheritance: Autosomal dominant inheritance. Not counted in ClinVar's aggregate classification.

Sharing Clinical Reports Project (SCRP)
Classification: Pathogenic for Breast-ovarian cancer, familial 2. Last evaluated: 2012-09-27. Review status: no assertion criteria provided. Collection method: clinical testing. Allele origin: germline. Not counted in ClinVar's aggregate classification.

Breast Cancer Information Core (BIC) (BRCA2)
Classification: Pathogenic for Breast-ovarian cancer, familial 2. Last evaluated: 1997-11-13. Review status: no assertion criteria provided. Collection method: clinical testing. Allele origin: germline. Affected: yes. Observed: 2 variant alleles. Not counted in ClinVar's aggregate classification.

Center for Precision Medicine, Meizhou People's Hospital
Classification: Pathogenic for Familial cancer of breast. Review status: no assertion criteria provided. Collection method: literature only. Allele origin: germline. Affected: yes. Not counted in ClinVar's aggregate classification.

Literature cited by the submitters: PubMed 20104584 (cited by Labcorp Genetics (formerly Invitae), Labcorp); PubMed 9150154 (cited by 7 submitters); PubMed 19353265 (cited by 6 submitters); PubMed 22160602 (cited by 5 submitters); PubMed 24321281 (cited by Labcorp Genetics (formerly Invitae), Labcorp and Ambry Genetics); PubMed 26848529 (cited by Labcorp Genetics (formerly Invitae), Labcorp); PubMed 27157322 (cited by Labcorp Genetics (formerly Invitae), Labcorp); PubMed 38167124 (cited by Center for Genomic Medicine, Rigshospitalet, Copenhagen University Hospital); PubMed 30972954 (cited by 5 submitters); PubMed 11391658 (cited by 3 submitters); PubMed 26757417 (cited by Ambry Genetics); PubMed 28724667 (cited by Ambry Genetics); PubMed 29566657 (cited by Ambry Genetics); PubMed 29681614 (cited by Ambry Genetics); PubMed 29752822 (cited by 4 submitters); PubMed 29907814 (cited by Ambry Genetics); PubMed 30078507 (cited by Ambry Genetics); PubMed 30274973 (cited by Ambry Genetics); PubMed 31957001 (cited by 4 submitters); PubMed 32072338 (cited by Ambry Genetics and Quest Diagnostics Nichols Institute San Juan Capistrano); PubMed 32101877 (cited by 4 submitters); PubMed 33471991 (cited by 3 submitters); PubMed 27907908 (cited by 4 submitters); PubMed 30702160 (cited by 3 submitters); PubMed 26295337 (cited by Quest Diagnostics Nichols Institute San Juan Capistrano).